The following is an entry in ClinVar:

NM_002185.5(IL7R):c.350C>G (p.Thr117Ser)

Gene: IL7R (interleukin 7 receptor; plus strand). Cytogenetic location: 5p13.2.
Variant type: single nucleotide variant.
Coding change: c.350C>G on transcript NM_002185.5 (MANE Select); coding-DNA position 350, C replaced by G.
Protein change: p.Thr117Ser; replaces threonine 117 with serine.
Molecular consequence: missense variant. On other transcripts: non-coding transcript variant (1).
Genome position (GRCh38, 1-based): chr5:35,867,434, C>G. VCF-style: chr5-35867434-C-G. GRCh37 (hg19) VCF-style: chr5-35867536-C-G.
Other names: c.350C>G, p.Thr117Ser (NM_001410734.1); short protein forms T117S.
Identifiers: ClinVar variation 2119422 (VCV002119422.4), dbSNP rs1395865725, ClinGen allele CA359428561.

ClinVar aggregate classification (germline): Uncertain significance (1 of 4 stars; one submission).

Conditions:
Immunodeficiency 104. Also called: Severe combined immunodeficiency, autosomal recessive, T cell-negative, B cell-positive, NK cell-positive; IMMUNODEFICIENCY 104, SEVERE COMBINED; Severe Combined Immune Deficiency, Autosomal Recessive, TCell -Negative, B Cell-Positive, NK Cell-Positive, IL7R-Related; SCID, AUTOSOMAL RECESSIVE, T CELL-NEGATIVE, B CELL-POSITIVE, NK CELL-POSITIVE. Identifiers: MedGen C5676890, MONDO:0012163, OMIM 608971.

Submission:

Labcorp Genetics (formerly Invitae), Labcorp
Classification: Uncertain significance for Immunodeficiency 104. Last evaluated: 2024-11-05. Review status: criteria provided, single submitter. Criteria: Invitae Variant Classification Sherloc (09022015). Collection method: clinical testing. Allele origin: germline.
Comment: This sequence change replaces threonine, which is neutral and polar, with serine, which is neutral and polar, at codon 117 of the IL7R protein (p.Thr117Ser). This variant is not present in population databases (gnomAD no frequency). This variant has not been reported in the literature in individuals affected with IL7R-related conditions. ClinVar contains an entry for this variant (Variation ID: 2119422). Invitae Evidence Modeling of protein sequence and biophysical properties (such as structural, functional, and spatial information, amino acid conservation, physicochemical variation, residue mobility, and thermodynamic stability) indicates that this missense variant is not expected to disrupt IL7R protein function with a negative predictive value of 95%. In summary, the available evidence is currently insufficient to determine the role of this variant in disease. Therefore, it has been classified as a Variant of Uncertain Significance.